The following is an entry in ClinVar:

ClinVar aggregate classification (germline): Uncertain significance. Review status: criteria provided, multiple submitters, no conflicts (2 of 4 stars). 2 submissions from 2 submitters: Uncertain significance (2). Last evaluated 2026-04-14.

Conditions:
Progressive familial intrahepatic cholestasis type 3. Also called: MDR3 DEFICIENCY; Low Gamma-GT Familial Intrahepatic Cholestasis. Identifiers: Orphanet 79305, MedGen C1865643, MONDO:0011214, OMIM 602347.
Familial intrahepatic cholestasis. Identifiers: Orphanet 284385, MedGen CN296401, MONDO:0017290.

Submissions (2):

Genomenon, Inc
Classification: Uncertain significance for Familial intrahepatic cholestasis. Last evaluated: 2026-04-14. Review status: criteria provided, single submitter. Criteria: Genomenon Sequence Variant Interpretation Standards - Updated. Collection method: curation. Allele origin: germline. Affected: yes.
Comment: ABCB4 p.Gly1091Val (c.3272G>T) is a missense variant that changes the amino acid at residue 1091 from Glycine to Valine. This variant has been observed in at least one proband with an ABCB4-related disorder (PMID:34016879). It is absent or not present at a significant frequency in gnomAD. In silico models predict that this variant is possibly or probably damaging. In conclusion, we classify ABCB4 p.Gly1091Val (c.3272G>T) as a variant of uncertain significance.

3billion
Classification: Uncertain significance for Progressive familial intrahepatic cholestasis type 3. Last evaluated: 2025-10-02. Review status: criteria provided, single submitter. Criteria: ACMG Guidelines, 2015. Collection method: clinical testing. Allele origin: germline. Affected: yes.
Comment: The variant is not observed in the gnomAD v4.1.0 dataset. Predicted Consequence/Location: Missense variant In silico tool predictions suggest damaging effect of the variant on gene or gene product [REVEL: 0.88 (>=0.6, sensitivity 0.68 and specificity 0.92); 3Cnet: 0.86 (> 0.75, sensitivity 0.96 and precision 0.92)]. The same nucleotide change resulting in the same amino acid change has been previously reported to be associated with ABCB4-related disorder (PMID: 34016879). However, the evidence of pathogenicity is insufficient at this time. Therefore, this variant is classified as VUS according to the recommendation of ACMG/AMP guideline.

Literature cited by the submitters: PubMed 34016879 (cited by Genomenon, Inc and 3billion).

NM_000443.4(ABCB4):c.3272G>T (p.Gly1091Val)

Gene: ABCB4 (ATP binding cassette subfamily B member 4; minus strand). Cytogenetic location: 7q21.12.
Variant type: single nucleotide variant.
Coding change: c.3272G>T on transcript NM_000443.4 (MANE Select); coding-DNA position 3272, G replaced by T.
Protein change: p.Gly1091Val; replaces glycine 1091 with valine.
Molecular consequence: missense variant.
Genome position (GRCh38, 1-based): chr7:87,408,044, C>A on the plus strand (G>T on the coding strand, the complement: ABCB4 is on the minus strand). VCF-style: chr7-87408044-C-A. GRCh37 (hg19) VCF-style: chr7-87037360-C-A.
Other names: c.3272G>T, p.Gly1091Val (NM_018849.3); c.3131G>T, p.Gly1044Val (NM_018850.3); short protein forms G1044V, G1091V.
Identifiers: ClinVar variation 4846456 (VCV004846456.2).